The following is an entry in ClinVar:

ClinVar aggregate classification (germline): Benign (1 of 4 stars; one submission).

Conditions:
Hypomyelination and Congenital Cataract (HLD5). Also called: hypomyelinating leukodystrophy 5. Identifiers: Orphanet 85163, MedGen C1864663, MONDO:0012514, OMIM 610532.

Allele frequency attached by ClinVar (database versions not stated): 1000 Genomes Project 0.22065; 1000 Genomes Project 30x 0.22127; TOPMed 0.26549; gnomAD 0.27612 and 0.27750.

Submission:

Illumina Laboratory Services, Illumina
Classification: Benign for Hypomyelination and Congenital Cataract. Last evaluated: 2018-01-13. Review status: criteria provided, single submitter. Criteria: ICSL Variant Classification Criteria 13 December 2019. Collection method: clinical testing. Allele origin: germline.
Comment: This variant was observed in the ICSL laboratory as part of a predisposition screen in an ostensibly healthy population. It had not been previously curated by ICSL or reported in the Human Gene Mutation Database (HGMD: prior to June 1st, 2018), and was therefore a candidate for classification through an automated scoring system. Utilizing variant allele frequency, disease prevalence and penetrance estimates, and inheritance mode, an automated score was calculated to assess if this variant is too frequent to cause the disease. Based on the score and internal cut-off values, a variant classified as benign is not then subjected to further curation. The score for this variant resulted in a classification of benign for this disease.

NM_032581.4(HYCC1):c.*2661C>T

Gene: HYCC1 (hyccin PI4KA lipid kinase complex subunit 1; minus strand). Cytogenetic location: 7p15.3.
Variant type: single nucleotide variant.
Coding change: c.*2661C>T on transcript NM_032581.4 (MANE Select); 2661 bases downstream of the stop codon, C replaced by T.
Molecular consequence: 3 prime UTR variant.
Genome position (GRCh38, 1-based): chr7:22,942,928, G>A on the plus strand (C>T on the coding strand, the complement: HYCC1 is on the minus strand). VCF-style: chr7-22942928-G-A. GRCh37 (hg19) VCF-style: chr7-22982547-G-A.
Other names: c.*3263C>T (NM_001363466.2); c.*3221C>T (NM_001363467.2).
Identifiers: ClinVar variation 359730 (VCV000359730.5), dbSNP rs13222017, ClinGen allele CA10628751.